The following is an entry in ClinVar:

NM_024642.5(GALNT12):c.607A>G (p.Asn203Asp)

Gene: GALNT12 (polypeptide N-acetylgalactosaminyltransferase 12; plus strand). Cytogenetic location: 9q22.33.
Variant type: single nucleotide variant.
Coding change: c.607A>G on transcript NM_024642.5 (MANE Select); coding-DNA position 607, A replaced by G.
Protein change: p.Asn203Asp; replaces asparagine 203 with aspartic acid.
Molecular consequence: missense variant.
Genome position (GRCh38, 1-based): chr9:98,826,817, A>G. VCF-style: chr9-98826817-A-G. GRCh37 (hg19) VCF-style: chr9-101589099-A-G.
Other names: short protein forms N203D.
Identifiers: ClinVar variation 4831798 (VCV004831798.1).
Genomic context (GRCh38, chr9:98,826,817, plus strand): 5'-CTGAAGGAGCGCTTGGCCAATGAGCTTTCGGGACTGCCCAAGGTGCGCCTGATCCGCGCC[A>G]ACAAGAGAGAGGGCCTGGTGCGAGCCCGGCTGCTGGGGGCGTCTGCGGCGAGGGGCGATG-3'
Protein context (NP_078918.3, residues 193-213): GLPKVRLIRA[Asn203Asp]KREGLVRARL

ClinVar aggregate classification (germline): Uncertain significance (1 of 4 stars; one submission).

gnomAD v4.1: 4 of 1,612,254 alleles (0.00025%); highest among the groups gnomAD compares: African/African-American, 0.0013%; no homozygotes.

Submission:

Ambry Genetics
Classification: Uncertain significance. Last evaluated: 2026-01-14. Review status: criteria provided, single submitter. Criteria: Ambry Variant Classification Scheme 2023. Collection method: clinical testing. Allele origin: germline.
Comment: The p.N203D variant (also known as c.607A>G), located in coding exon 3 of the GALNT12 gene, results from an A to G substitution at nucleotide position 607. The asparagine at codon 203 is replaced by aspartic acid, an amino acid with highly similar properties. This amino acid position is conserved. In addition, this alteration is predicted to be tolerated by in silico analysis. Based on the available evidence, the clinical significance of this variant remains unclear.